The following is an entry in ClinVar:

ClinVar aggregate classification (germline): Uncertain significance (1 of 4 stars; one submission).

gnomAD v4.1: 5 of 1,610,076 alleles (0.00031%); highest among the groups gnomAD compares: Non-Finnish European, 0.00042%; no homozygotes.

Submission:

GeneDx
Classification: Uncertain significance. Last evaluated: 2025-02-28. Review status: criteria provided, single submitter. Criteria: GeneDx Variant Classification Process June 2021. Collection method: clinical testing. Allele origin: germline. Affected: yes.
Comment: Not observed at significant frequency in large population cohorts (gnomAD); In silico analysis supports that this missense variant has a deleterious effect on protein structure/function; Has not been previously published as pathogenic or benign to our knowledge

NM_002230.4(JUP):c.671A>T (p.Lys224Met)

Gene: JUP (junction plakoglobin; minus strand). Cytogenetic location: 17q21.2.
Variant type: single nucleotide variant.
Coding change: c.671A>T on transcript NM_002230.4 (MANE Select); coding-DNA position 671, A replaced by T.
Protein change: p.Lys224Met; replaces lysine 224 with methionine.
Molecular consequence: missense variant.
Genome position (GRCh38, 1-based): chr17:41,769,005, T>A on the plus strand (A>T on the coding strand, the complement: JUP is on the minus strand). VCF-style: chr17-41769005-T-A. GRCh37 (hg19) VCF-style: chr17-39925257-T-A.
Other names: c.671A>T, p.Lys224Met (NM_001352773.2, NM_001352774.2, NM_001352775.2 and 3 more transcripts); short protein forms K224M.
Identifiers: ClinVar variation 4077235 (VCV004077235.1).